The following is an entry in ClinVar:

NM_001134407.3(GRIN2A):c.217C>A (p.Leu73Met)

Gene: GRIN2A (glutamate ionotropic receptor NMDA type subunit 2A; minus strand). Cytogenetic location: 16p13.2.
Variant type: single nucleotide variant.
Coding change: c.217C>A on transcript NM_001134407.3 (MANE Select); coding-DNA position 217, C replaced by A.
Protein change: p.Leu73Met; replaces leucine 73 with methionine.
Molecular consequence: missense variant.
Genome position (GRCh38, 1-based): chr16:10,180,195, G>T on the plus strand (C>A on the coding strand, the complement: GRIN2A is on the minus strand). VCF-style: chr16-10180195-G-T. GRCh37 (hg19) VCF-style: chr16-10274052-G-T.
Other names: c.217C>A, p.Leu73Met (NM_000833.5, NM_001134408.2); short protein forms L73M.
Identifiers: ClinVar variation 432826 (VCV000432826.10), dbSNP rs775422876, ClinGen allele CA7897023.

ClinVar aggregate classification (germline): Conflicting classifications of pathogenicity. Review status: criteria provided, conflicting classifications (1 of 4 stars). 2 submissions from 2 submitters: Uncertain significance (1); Likely benign (1). Last evaluated 2024-10-22.

Conditions:
Landau-Kleffner syndrome (FESD). Also called: EPILEPSY, FOCAL, WITH SPEECH DISORDER AND WITH OR WITHOUT MENTAL RETARDATION; APHASIA, ACQUIRED, WITH EPILEPSY. Identifiers: Orphanet 1945, Orphanet 725, Orphanet 98818, MedGen C0282512, MONDO:0009509, OMIM 245570.

gnomAD v4.1: 7 of 1,614,176 alleles (0.00043%); highest among the groups gnomAD compares: Non-Finnish European, 0.00059%; no homozygotes.

Submissions (2):

Labcorp Genetics (formerly Invitae), Labcorp
Classification: Likely benign for Landau-Kleffner syndrome. Last evaluated: 2024-10-22. Review status: criteria provided, single submitter. Criteria: Invitae Variant Classification Sherloc (09022015). Collection method: clinical testing. Allele origin: germline.

GeneDx
Classification: Uncertain significance. Last evaluated: 2018-06-25. Review status: criteria provided, single submitter. Criteria: GeneDx Variant Classification (06012015). Collection method: clinical testing. Allele origin: germline. Affected: yes.
Comment: A variant of uncertain significance has been identified in the GRIN2A gene. The L73M variant has not been published as a pathogenic variant, nor has it been reported as a benign variant to our knowledge. The L73M variant is not observed at a significant frequency in large population cohorts (Lek et al., 2016; 1000 Genomes Consortium et al., 2015; Exome Variant Server). The L73M variant is a conservative amino acid substitution, which is not likely to impact secondary protein structure as these residues share similar properties. This substitution occurs at a position where amino acids with similar properties to Leucine are tolerated across species. However, in silico analysis is inconsistent in its predictions as to whether or not the variant is damaging to the protein structure/function. Therefore, based on the currently available information, it is unclear whether this variant is a pathogenic variant or a rare benign variant.